The following is an entry in ClinVar:

ClinVar aggregate classification (germline): Uncertain significance. Review status: criteria provided, multiple submitters, no conflicts (2 of 4 stars). 6 submissions from 6 submitters: Uncertain significance (5). 1 of the submissions does not count toward it. Last evaluated 2026-05-20.

Conditions:
Familial thoracic aortic aneurysm and aortic dissection (TAAD). Also called: Thoracic aortic aneurysms and dissections. Identifiers: Orphanet 91387, MedGen C4707243, MONDO:0019625.
Marfan syndrome (MFS). Also called: Marfan syndrome type 1; Marfan syndrome, classic; Marfan's syndrome; FBN1-Related Marfan Syndrome; MARFAN SYNDROME, TYPE I. Identifiers: Orphanet 284963, Orphanet 558, MedGen C0024796, MONDO:0007947, OMIM 154700.

Allele frequency attached by ClinVar (database versions not stated): ExAC 0.00001; TOPMed 0.00001; gnomAD exomes 0.00001; gnomAD 0.00002.
gnomAD v4.1: 10 of 1,613,876 alleles (0.00062%); highest among the groups gnomAD compares: Admixed American, 0.01%; no homozygotes.

Submissions (6):

Ambry Genetics
Classification: Uncertain significance for Familial thoracic aortic aneurysm and aortic dissection. Last evaluated: 2026-05-20. Review status: criteria provided, single submitter. Criteria: Ambry Variant Classification Scheme 2023. Collection method: clinical testing. Allele origin: germline.
Comment: The p.G1708E variant (also known as c.5123G>A), located in coding exon 41 of the FBN1 gene, results from a G to A substitution at nucleotide position 5123. The glycine at codon 1708 is replaced by glutamic acid, an amino acid with similar properties. This variant has been reported in a thoracic aortic aneurysm and dissection (TAAD) cohort and in a bicuspid aortic valve cohort (Gillis E et al. Front Physiol, 2017 Jun;8:400; Ziganshin BA et al. Ann Thorac Surg, 2015 Nov;100:1604-11). This amino acid position is well conserved in available vertebrate species. In addition, this alteration is predicted to be deleterious by in silico analysis. Based on the available evidence, the clinical significance of this variant remains unclear.

Labcorp Genetics (formerly Invitae), Labcorp
Classification: Uncertain significance for Marfan syndrome; Familial thoracic aortic aneurysm and aortic dissection. Last evaluated: 2025-10-12. Review status: criteria provided, single submitter. Criteria: Invitae Variant Classification Sherloc (09022015). Collection method: clinical testing. Allele origin: germline.
Comment: This sequence change replaces glycine, which is neutral and non-polar, with glutamic acid, which is acidic and polar, at codon 1708 of the FBN1 protein (p.Gly1708Glu). This variant is present in population databases (rs758600004, gnomAD 0.006%). This missense change has been observed in individual(s) with Marfan syndrome and/or thoracic aortic aneurysm and dissection (PMID: 26188975, 28659821; internal data). ClinVar contains an entry for this variant (Variation ID: 549262). Invitae Evidence Modeling of protein sequence and biophysical properties (such as structural, functional, and spatial information, amino acid conservation, physicochemical variation, residue mobility, and thermodynamic stability) indicates that this missense variant is expected to disrupt FBN1 protein function with a positive predictive value of 80%. In summary, the available evidence is currently insufficient to determine the role of this variant in disease. Therefore, it has been classified as a Variant of Uncertain Significance.

All of Us Research Program, National Institutes of Health
Classification: Uncertain significance for Marfan syndrome. Last evaluated: 2024-05-30. Review status: criteria provided, single submitter. Criteria: ACMG Guidelines, 2015. Collection method: clinical testing. Allele origin: germline. Inheritance: Autosomal dominant inheritance. Observed: 6 variant alleles, 6 heterozygotes.
Comment: This missense variant replaces glycine with glutamic acid at codon 1708 of the FBN1 protein. Computational prediction is inconclusive regarding the impact of this variant on protein structure and function (internally defined REVEL score threshold 0.5 < inconclusive < 0.7, PMID: 27666373). To our knowledge, functional studies have not been reported for this variant. This variant has been reported in individuals affected with thoracic aortic aneurysm and dissection (PMID: 26188975), bicuspid aortic valve and thoracic aortic aneurysm (PMID: 28659821), and cardiac failure of ischemic origin (DOI 10.3390/cardiogenetics12020018). This variant has been identified in 2/251348 chromosomes in the general population by the Genome Aggregation Database (gnomAD). The available evidence is insufficient to determine the role of this variant in disease conclusively. Therefore, this variant is classified as a Variant of Uncertain Significance.

This study involves interpretation of variants in research participants for the purpose of population health screening. Participant phenotype was not available at the time of variant classification. Additional details can be found in publication PMID: 35346344, PMCID: PMC8962531

Color Diagnostics, LLC DBA Color Health
Classification: Uncertain significance for Familial thoracic aortic aneurysm and aortic dissection. Last evaluated: 2024-05-11. Review status: criteria provided, single submitter. Criteria: ACMG Guidelines, 2015. Collection method: clinical testing. Allele origin: germline.
Comment: This missense variant replaces glycine with glutamic acid at codon 1708 of the FBN1 protein. Computational prediction tools indicate that this variant's impact on protein structure and function is inconclusive. To our knowledge, functional studies have not been reported for this variant. This variant has been reported in one individual affected with thoracic aortic aneurysm and dissection (PMID: 26188975), in one individual affected with bicuspid aortic valve and thoracic aortic aneurysm (PMID: 28659821), and in one individual affected with cardiac failure of ischemic origin (doi:10.3390/cardiogenetics12020018). This variant has been identified in 2/251348 chromosomes in the general population by the Genome Aggregation Database (gnomAD). The available evidence is insufficient to determine the role of this variant in disease conclusively. Therefore, this variant is classified as a Variant of Uncertain Significance.

GeneDx
Classification: Uncertain significance. Last evaluated: 2020-10-28. Review status: criteria provided, single submitter. Criteria: GeneDx Variant Classification Process June 2021. Collection method: clinical testing. Allele origin: germline. Affected: yes.
Comment: Not observed at a significant frequency in large population cohorts (Lek et al., 2016); In silico analysis supports that this missense variant does not alter protein structure/function; Does not affect a cysteine residue within a calcium-binding EGF-like domain of the FBN1 gene; cysteine substitutions in the calcium-binding EGF-like domains represent the majority of pathogenic missense changes associated with FBN1-related disorders (Collod-Beroud et al., 2003); This variant is associated with the following publications: (PMID: 26188975, 27906200, 33030311)

Center for Medical Genetics Ghent, University of Ghent
Classification: Uncertain significance for Marfan syndrome. Last evaluated: 2017-11-07. Review status: no assertion criteria provided. Collection method: clinical testing. Allele origin: germline. Affected: yes. Not counted in ClinVar's aggregate classification.

Literature cited by the submitters: PubMed 26188975 (cited by 4 submitters); PubMed 28659821 (cited by 4 submitters).

NM_000138.5(FBN1):c.5123G>A (p.Gly1708Glu)

Gene: FBN1 (fibrillin 1; minus strand). Cytogenetic location: 15q21.1.
Variant type: single nucleotide variant.
Coding change: c.5123G>A on transcript NM_000138.5 (MANE Select); coding-DNA position 5123, G replaced by A.
Protein change: p.Gly1708Glu; replaces glycine 1708 with glutamic acid.
Molecular consequence: missense variant.
Genome position (GRCh38, 1-based): chr15:48,463,183, C>T on the plus strand (G>A on the coding strand, the complement: FBN1 is on the minus strand). VCF-style: chr15-48463183-C-T. GRCh37 (hg19) VCF-style: chr15-48755380-C-T.
Other names: short protein forms G1708E.
Identifiers: ClinVar variation 549262 (VCV000549262.18), dbSNP rs758600004, ClinGen allele CA054356.